The following is an entry in ClinVar:

NM_000435.3(NOTCH3):c.6530dup (p.Pro2178fs)

Gene: NOTCH3 (notch receptor 3; minus strand). Cytogenetic location: 19p13.12.
Variant type: Duplication.
Coding change: c.6530dup on transcript NM_000435.3 (MANE Select); coding-DNA position 6530, one base duplicated (C; older notation c.6530dupC).
Protein change: p.Pro2178fs; shifts the reading frame from proline 2178.
Molecular consequence: frameshift variant.
Genome position (GRCh38, 1-based): chr19:15,161,098, G duplicated on the plus strand (C on the coding strand, the reverse complement: NOTCH3 is on the minus strand); the first of 5 consecutive G bases (chr19:15,161,098-15,161,102); duplicating any one gives the same sequence. VCF-style (leftmost placement, unchanged base first): chr19-15161097-T-TG. GRCh37 (hg19) VCF-style: chr19-15271908-T-TG.
Other names: short protein forms P2178fs.
Identifiers: ClinVar variation 3772368 (VCV003772368.13).

ClinVar aggregate classification (germline): Likely pathogenic (1 of 4 stars; one submission).

Submission:

CeGaT Center for Human Genetics Tuebingen
Classification: Likely pathogenic. Last evaluated: 2025-01-01. Review status: criteria provided, single submitter. Criteria: CeGaT Center For Human Genetics Tuebingen Variant Classification Criteria Version 2. Collection method: clinical testing. Allele origin: germline. Affected: yes. Observed: 1 variant allele.
Comment: NOTCH3: PVS1:Strong, PM2, PS2:Moderate